The following is an entry in ClinVar:

ClinVar aggregate classification (germline): Uncertain significance. Review status: criteria provided, multiple submitters, no conflicts (2 of 4 stars). 2 submissions from 2 submitters: Uncertain significance (2). Last evaluated 2024-09-11.

Conditions:
Inborn genetic diseases. Identifiers: MedGen C0950123, MeSH D030342.
Isolated microphthalmia 5. Also called: Posterior Microphthalmia with Retinitis Pigmentosa, Foveoschisis, and Optic Disc Drusen. Identifiers: Orphanet 251279, MedGen C1970236, MONDO:0012605, OMIM 611040.

Allele frequency attached by ClinVar (database versions not stated): gnomAD exomes 0.00001 and below 0.00001; gnomAD 0.00001; TOPMed 0.00001.
gnomAD v4.1: 9 of 1,613,764 alleles (0.00056%); highest among the groups gnomAD compares: Admixed American, 0.0067%; no homozygotes.

Submissions (2):

Ambry Genetics
Classification: Uncertain significance for Inborn genetic diseases. Last evaluated: 2024-09-11. Review status: criteria provided, single submitter. Criteria: Ambry Variant Classification Scheme 2023. Collection method: clinical testing. Allele origin: germline.

Labcorp Genetics (formerly Invitae), Labcorp
Classification: Uncertain significance for Isolated microphthalmia 5. Last evaluated: 2022-08-09. Review status: criteria provided, single submitter. Criteria: Invitae Variant Classification Sherloc (09022015). Collection method: clinical testing. Allele origin: germline.
Comment: In summary, the available evidence is currently insufficient to determine the role of this variant in disease. Therefore, it has been classified as a Variant of Uncertain Significance. This variant is present in population databases (no rsID available, gnomAD 0.003%). This variant has not been reported in the literature in individuals affected with MFRP-related conditions. ClinVar contains an entry for this variant (Variation ID: 1013742). Algorithms developed to predict the effect of missense changes on protein structure and function output the following: SIFT: "Deleterious"; PolyPhen-2: "Benign"; Align-GVGD: "Class C0". The asparagine amino acid residue is found in multiple mammalian species, which suggests that this missense change does not adversely affect protein function. This sequence change replaces threonine, which is neutral and polar, with asparagine, which is neutral and polar, at codon 115 of the MFRP protein (p.Thr115Asn).

NM_031433.4(MFRP):c.344C>A (p.Thr115Asn)

Genes: C1QTNF5 (C1q and TNF related 5; minus strand), MFRP (membrane frizzled-related protein; minus strand). Cytogenetic location: 11q23.3.
Variant type: single nucleotide variant.
Coding change: c.344C>A on transcript NM_031433.4 (MANE Select); coding-DNA position 344, C replaced by A.
Protein change: p.Thr115Asn; replaces threonine 115 with asparagine.
Molecular consequence: missense variant. On other transcripts: 5 prime UTR variant (1).
Genome position (GRCh38, 1-based): chr11:119,345,856, G>T on the plus strand (C>A on the coding strand, the complement: MFRP is on the minus strand). VCF-style: chr11-119345856-G-T. GRCh37 (hg19) VCF-style: chr11-119216566-G-T.
Other names: c.-2293C>A (NM_015645.5); short protein forms T115N.
Identifiers: ClinVar variation 1013742 (VCV001013742.11), dbSNP rs1252309448, ClinGen allele CA382978926.